The following is an entry in ClinVar:

NM_001372123.1(IKZF5):c.943C>T (p.Pro315Ser)

Gene: IKZF5 (IKAROS family zinc finger 5; minus strand). Cytogenetic location: 10q26.13.
Variant type: single nucleotide variant.
Coding change: c.943C>T on transcript NM_001372123.1 (MANE Select); coding-DNA position 943, C replaced by T.
Protein change: p.Pro315Ser; replaces proline 315 with serine.
Molecular consequence: missense variant.
Genome position (GRCh38, 1-based): chr10:122,994,097, G>A on the plus strand (C>T on the coding strand, the complement: IKZF5 is on the minus strand). VCF-style: chr10-122994097-G-A. GRCh37 (hg19) VCF-style: chr10-124753613-G-A.
Other names: c.943C>T, p.Pro315Ser (NM_001271840.1, NM_001372125.1, NM_001372126.1 and 2 more transcripts); c.739C>T, p.Pro247Ser (NM_001372124.1, NM_001372129.1, NM_001372130.1 and 1 more transcripts); short protein forms P247S, P315S.
Identifiers: ClinVar variation 4885587 (VCV004885587.2).

ClinVar aggregate classification (germline): Uncertain significance (1 of 4 stars; one submission).

Submission:

Dasa
Classification: Uncertain significance. Last evaluated: 2024-11-14. Review status: criteria provided, single submitter. Criteria: DASA Assertion Criteria. Collection method: clinical testing. Allele origin: germline.
Comment: NM_001372123.1(IKZF5):c.943C>T (p.Pro315Ser) is a missense variant that results in the substitution of proline with serine. This variant is absent from population databases. Computational prediction algorithms are consistent with a benign effect. The currently available literature and clinical evidence are not sufficient to establish a definitive association between this variant and the reported condition. Therefore, this variant is classified as a variant of uncertain significance.